The following is an entry in ClinVar:

ClinVar aggregate classification (germline): Uncertain significance (0 of 4 stars; one submission).

Conditions:
FMN1-related disorder. Also called: FMN1-related condition.

gnomAD v4.1: 39 of 1,536,714 alleles (0.0025%); highest among the groups gnomAD compares: African/African-American, 0.036%; no homozygotes.

Submission:

PreventionGenetics, part of Exact Sciences
Classification: Uncertain significance for FMN1-related condition. Last evaluated: 2024-09-23. Review status: no assertion criteria provided. Collection method: clinical testing. Allele origin: germline.
Comment: The FMN1 c.955C>T variant is predicted to result in the amino acid substitution p.Arg319Trp. To our knowledge, this variant has not been reported in the literature. This variant is reported in 0.013% of alleles in individuals of African descent in gnomAD. At this time, the clinical significance of this variant is uncertain due to the absence of conclusive functional and genetic evidence.

NM_001277313.2(FMN1):c.955C>T (p.Arg319Trp)

Gene: FMN1 (formin 1; minus strand). Cytogenetic location: 15q13.3.
Variant type: single nucleotide variant.
Coding change: c.955C>T on transcript NM_001277313.2 (MANE Select); coding-DNA position 955, C replaced by T.
Protein change: p.Arg319Trp; replaces arginine 319 with tryptophan.
Molecular consequence: missense variant.
Genome position (GRCh38, 1-based): chr15:33,153,960, G>A on the plus strand (C>T on the coding strand, the complement: FMN1 is on the minus strand). VCF-style: chr15-33153960-G-A. GRCh37 (hg19) VCF-style: chr15-33446161-G-A.
Other names: c.955C>T, p.Arg319Trp (NM_001277314.2); short protein forms R319W.
Identifiers: ClinVar variation 3352122 (VCV003352122.1).
Genomic context (GRCh38, chr15:33,153,960, plus strand): 5'-GGGAGGACAGGTCCTGAACTTTGGCCACCACTTTGGAGACAGGTTTCTGCTTGCAAGTCC[G>A]CTTAGCCGGCTTCTCCATCTCATCCTTTTCTGCCTCTGGATGCTTCTCAGGGTCCTGGTG-3'
Protein context (NP_001264242.1, residues 309-329): EKDEMEKPAK[Arg319Trp]TCKQKPVSKV